The following is an entry in ClinVar:

NM_145167.3(PIGM):c.282T>C (p.Phe94=)

Gene: PIGM (phosphatidylinositol glycan anchor biosynthesis class M; minus strand). Cytogenetic location: 1q23.2.
Variant type: single nucleotide variant.
Coding change: c.282T>C on transcript NM_145167.3 (MANE Select); coding-DNA position 282, T replaced by C.
Protein change: p.Phe94=; no amino-acid change (phenylalanine 94 retained).
Molecular consequence: synonymous variant.
Genome position (GRCh38, 1-based): chr1:160,031,458, A>G on the plus strand (T>C on the coding strand, the complement: PIGM is on the minus strand). VCF-style: chr1-160031458-A-G. GRCh37 (hg19) VCF-style: chr1-160001248-A-G.
Identifiers: ClinVar variation 4778335 (VCV004778335.1).

ClinVar aggregate classification (germline): Uncertain significance (1 of 4 stars; one submission).

Conditions:
Hypercoagulability syndrome due to glycosylphosphatidylinositol deficiency (GPIBD1). Also called: GLYCOSYLPHOSPHATIDYLINOSITOL BIOSYNTHESIS DEFECT 1. Identifiers: Orphanet 83639, MedGen C5201145, MONDO:0012465, OMIM 610293.

Submission:

Labcorp Genetics (formerly Invitae), Labcorp
Classification: Uncertain significance for Hypercoagulability syndrome due to glycosylphosphatidylinositol deficiency. Last evaluated: 2025-02-04. Review status: criteria provided, single submitter. Criteria: Invitae Variant Classification Sherloc (09022015). Collection method: clinical testing. Allele origin: germline.
Comment: This sequence change affects codon 94 of the PIGM mRNA. It is a 'silent' change, meaning that it does not change the encoded amino acid sequence of the PIGM protein. This variant is present in population databases (rs755025628, gnomAD 0.003%). This variant has not been reported in the literature in individuals affected with PIGM-related conditions. In summary, the available evidence is currently insufficient to determine the role of this variant in disease. Therefore, it has been classified as a Variant of Uncertain Significance.